The following is an entry in ClinVar:

ClinVar aggregate classification (germline): Conflicting classifications of pathogenicity. Review status: criteria provided, conflicting classifications (1 of 4 stars). 3 submissions from 3 submitters: Pathogenic (2); Uncertain significance (1). Last evaluated 2026-04-29.

Conditions:
BAP1-related tumor predisposition syndrome (TPDS1). Also called: Tumor susceptibility linked to germline BAP1 mutations; COMMON Syndrome; TUMOR PREDISPOSITION SYNDROME 1; BAP1 tumor predisposition syndrome. Identifiers: Orphanet 289539, MedGen C3280492, MONDO:0013692, OMIM 614327.
Uveal melanoma. Also called: Melanoma of the Uvea. Identifiers: Orphanet 39044, MedGen C0220633, MONDO:0006486, OMIM 155720, HP:0007716.
Hereditary cancer-predisposing syndrome. Also called: Hereditary Cancer Syndrome; Neoplastic Syndromes, Hereditary; Hereditary neoplastic syndrome; Tumor predisposition. Identifiers: Orphanet 140162, MedGen C0027672, MeSH D009386, MONDO:0015356.

Submissions (3):

Ambry Genetics
Classification: Pathogenic for Hereditary cancer-predisposing syndrome. Last evaluated: 2026-04-29. Review status: criteria provided, single submitter. Criteria: Ambry Variant Classification Scheme 2023. Collection method: clinical testing. Allele origin: germline.
Comment: The c.932-151G>A intronic pathogenic mutation results from a G to A substitution 151 nucleotides upstream from coding exon 11 in the BAP1 gene. This variant was reported in individual(s) with features consistent with BAP1-related tumor predisposition syndrome (Ambry internal data; external communication). This variant segregated with disease in at least one family (external communication). This variant is considered to be rare based on population cohorts in the Genome Aggregation Database (gnomAD). This nucleotide position is well conserved in available vertebrate species. In silico splice site analysis predicts that this alteration will result in the creation or strengthening of a novel splice acceptor site. RNA studies have demonstrated that this variant results in abnormal splicing in the set of samples tested (Ambry internal data; external communication). Based on the supporting evidence, this variant is interpreted as a disease-causing mutation.

Baylor Genetics
Classification: Uncertain significance for BAP1-related tumor predisposition syndrome. Last evaluated: 2022-10-02. Review status: criteria provided, single submitter. Criteria: ACMG Guidelines, 2015. Collection method: clinical testing. Allele origin: unknown.

Genetics and Molecular Pathology, SA Pathology
Classification: Pathogenic for Uveal melanoma. Last evaluated: 2021-04-27. Review status: criteria provided, single submitter. Criteria: ACMG Guidelines, 2015. Collection method: clinical testing. Allele origin: germline. Inheritance: Autosomal dominant inheritance. Affected: yes.

NM_004656.4(BAP1):c.932-151G>A

Gene: BAP1 (BRCA1 associated deubiquitinase 1; minus strand). Cytogenetic location: 3p21.1.
Variant type: single nucleotide variant.
Coding change: c.932-151G>A on transcript NM_004656.4 (MANE Select); 151 bases into the intron before coding-DNA position 932, G replaced by A.
Molecular consequence: intron variant.
Genome position (GRCh38, 1-based): chr3:52,405,445, C>T on the plus strand (G>A on the coding strand, the complement: BAP1 is on the minus strand). VCF-style: chr3-52405445-C-T. GRCh37 (hg19) VCF-style: chr3-52439461-C-T.
Other names: c.932-151G>A (NM_004656.2).
Identifiers: ClinVar variation 1698872 (VCV001698872.5), dbSNP rs1705120040, ClinGen allele CA913187447.
Genomic context (GRCh38, chr3:52,405,445, plus strand): 5'-AGAGAAGAACAGCCCAGCCAGCTGGTGCAATGGGAGTCAGCAAGCTCTAAGTCATGATCC[C>T]GCAATGAGACAGGGCAAAGAATGAGATGGGAAAAAAGAAGCAGGAAGAAAAAAAAAAAAA-3'